The following is an entry in ClinVar:

ClinVar aggregate classification (germline): Benign/Likely benign. Review status: criteria provided, multiple submitters, no conflicts (2 of 4 stars). 3 submissions from 3 submitters: Benign (2); Likely benign (1). Last evaluated 2026-09-08.

Conditions:
PKD1-related disorder. Also called: PKD1-related condition.
Autosomal dominant polycystic kidney disease. Identifiers: Orphanet 730, MedGen C0085413, MONDO:0004691.

Submissions (3):

PreventionGenetics, part of Exact Sciences
Classification: Likely benign for PKD1-related condition. Last evaluated: 2026-09-08. Review status: criteria provided, single submitter. Criteria: ACMG Guidelines, 2015. Collection method: clinical testing. Allele origin: germline.
Comment: This variant is classified as likely benign based on ACMG/AMP sequence variant interpretation guidelines (Richards et al. 2015 PMID: 25741868, with internal and published modifications).

Department of Pathology and Laboratory Medicine, Sinai Health System
Classification: Benign for autosomal dominant polycystic kidney disease. Last evaluated: 2021-06-16. Review status: criteria provided, single submitter. Criteria: ACMG Guidelines, 2015. Collection method: clinical testing. Allele origin: germline.

Molecular Genetics of Inherited Kidney Disorders Laboratory, Garvan Institute of Medical Research
Classification: Benign for Autosomal dominant polycystic kidney disease. Last evaluated: 2019-01-01. Review status: criteria provided, single submitter. Criteria: ACMG Guidelines, 2015. Collection method: research. Allele origin: germline. Affected: yes.

NM_001009944.3(PKD1):c.10221-80del

Gene: PKD1 (polycystin 1, transient receptor potential channel interacting; minus strand). Cytogenetic location: 16p13.3.
Variant type: Deletion.
Coding change: c.10221-80del on transcript NM_001009944.3 (MANE Select); 80 bases into the intron before coding-DNA position 10221, one base deleted (G; older notation c.10221-80delG).
Molecular consequence: intron variant.
Genome position (GRCh38, 1-based): chr16:2,097,583, C deleted on the plus strand (G on the coding strand, the reverse complement: PKD1 is on the minus strand); the first of 3 consecutive C bases (chr16:2,097,583-2,097,585); deleting any one gives the same sequence. VCF-style (leftmost placement, unchanged base first): chr16-2097582-AC-A. GRCh37 (hg19) VCF-style: chr16-2147583-AC-A.
Other names: c.10221-80delG (NM_001009944.2); c.10218-80del (NM_000296.4).
Identifiers: ClinVar variation 976817 (VCV000976817.3), dbSNP rs113824832, ClinGen allele CA276771736.